The following is an entry in ClinVar:

ClinVar aggregate classification (germline): Uncertain significance. Review status: criteria provided, multiple submitters, no conflicts (2 of 4 stars). 2 submissions from 2 submitters: Uncertain significance (2). Last evaluated 2025-10-06.

Conditions:
Hereditary cancer-predisposing syndrome. Also called: Hereditary neoplastic syndrome; Hereditary Cancer Syndrome; Neoplastic Syndromes, Hereditary; Tumor predisposition. Identifiers: Orphanet 140162, MedGen C0027672, MeSH D009386, MONDO:0015356.
Fanconi anemia complementation group O. Also called: RAD51C-Related Fanconi Anemia. Identifiers: Orphanet 84, MedGen C3150653, MONDO:0013248, OMIM 613390.

gnomAD v4.1: 1 of 1,609,310 alleles (0.000062%); highest among the groups gnomAD compares: Non-Finnish European, 0.000085%; no homozygotes.

Submissions (2):

Ambry Genetics
Classification: Uncertain significance for Hereditary cancer-predisposing syndrome. Last evaluated: 2025-10-06. Review status: criteria provided, single submitter. Criteria: Ambry Variant Classification Scheme 2023. Collection method: clinical testing. Allele origin: germline.
Comment: The p.G243V variant (also known as c.728G>T), located in coding exon 5 of the RAD51C gene, results from a G to T substitution at nucleotide position 728. The glycine at codon 243 is replaced by valine, an amino acid with dissimilar properties. This amino acid position is conserved. In addition, this alteration is predicted to be deleterious by in silico analysis. Based on the available evidence, the clinical significance of this variant remains unclear.

Labcorp Genetics (formerly Invitae), Labcorp
Classification: Uncertain significance for Fanconi anemia complementation group O. Last evaluated: 2025-02-05. Review status: criteria provided, single submitter. Criteria: Invitae Variant Classification Sherloc (09022015). Collection method: clinical testing. Allele origin: germline.
Comment: This sequence change replaces glycine, which is neutral and non-polar, with valine, which is neutral and non-polar, at codon 243 of the RAD51C protein (p.Gly243Val). This variant is not present in population databases (gnomAD no frequency). This variant has not been reported in the literature in individuals affected with RAD51C-related conditions. Invitae Evidence Modeling of protein sequence and biophysical properties (such as structural, functional, and spatial information, amino acid conservation, physicochemical variation, residue mobility, and thermodynamic stability) indicates that this missense variant is not expected to disrupt RAD51C protein function with a negative predictive value of 80%. In summary, the available evidence is currently insufficient to determine the role of this variant in disease. Therefore, it has been classified as a Variant of Uncertain Significance.

NM_058216.3(RAD51C):c.728G>T (p.Gly243Val)

Gene: RAD51C (RAD51 paralog C; plus strand). Cytogenetic location: 17q22.
Variant type: single nucleotide variant.
Coding change: c.728G>T on transcript NM_058216.3 (MANE Select); coding-DNA position 728, G replaced by T.
Protein change: p.Gly243Val; replaces glycine 243 with valine.
Molecular consequence: missense variant. On other transcripts: non-coding transcript variant (1).
Genome position (GRCh38, 1-based): chr17:58,709,881, G>T. VCF-style: chr17-58709881-G-T. GRCh37 (hg19) VCF-style: chr17-56787242-G-T.
Other names: short protein forms G243V.
Identifiers: ClinVar variation 4680844 (VCV004680844.2).